The following is an entry in ClinVar:

ClinVar aggregate classification (germline): Benign/Likely benign. Review status: criteria provided, multiple submitters, no conflicts (2 of 4 stars). 4 submissions from 4 submitters: Benign (2); Likely benign (1). 1 of the submissions does not count toward it. Last evaluated 2026-02-01.

Conditions:
Cardiovascular phenotype. Identifiers: MedGen CN230736.
DiGeorge syndrome. Also called: THIRD AND FOURTH PHARYNGEAL POUCH SYNDROME; Catch22. Identifiers: Orphanet 567, MedGen C0012236, MONDO:0008564, OMIM 188400.
TBX1-related disorder. Also called: TBX1-Related Disorders; TBX1-related condition.

Submissions (4):

Labcorp Genetics (formerly Invitae), Labcorp
Classification: Benign for DiGeorge syndrome. Last evaluated: 2026-02-01. Review status: criteria provided, single submitter. Criteria: Invitae Variant Classification Sherloc (09022015). Collection method: clinical testing. Allele origin: germline.

Ambry Genetics
Classification: Benign for Cardiovascular phenotype. Last evaluated: 2025-07-10. Review status: criteria provided, single submitter. Criteria: Ambry Variant Classification Scheme 2023. Collection method: clinical testing. Allele origin: germline.

GeneDx
Classification: Likely benign. Last evaluated: 2021-01-13. Review status: criteria provided, single submitter. Criteria: GeneDx Variant Classification Process June 2021. Collection method: clinical testing. Allele origin: germline. Affected: yes.

PreventionGenetics, part of Exact Sciences
Classification: Likely benign for TBX1-related condition. Last evaluated: 2019-11-21. Review status: no assertion criteria provided. Collection method: clinical testing. Allele origin: germline. Not counted in ClinVar's aggregate classification.
Comment: This variant is classified as likely benign based on ACMG/AMP sequence variant interpretation guidelines (Richards et al. 2015 PMID: 25741868, with internal and published modifications).

NM_001379200.1(TBX1):c.1413_1442del (p.Ala476_Ala485del)

Gene: TBX1 (T-box transcription factor 1; plus strand). Cytogenetic location: 22q11.21.
Variant type: Deletion.
Coding change: c.1413_1442del on transcript NM_001379200.1 (MANE Select); coding-DNA positions 1413 to 1442, 30 bases deleted (CGCCGCGGCCGCCGCCGCCGCTGCCGCAGC).
Protein change: p.Ala476_Ala485del.
Molecular consequence: inframe deletion. On other transcripts: intron variant (2).
Genome position (GRCh38, 1-based): chr22:19,766,765-19,766,794, CGCCGCGGCCGCCGCCGCCGCTGCCGCAGC deleted; deleting any 30 consecutive bases within chr22:19,766,761-19,766,794 gives the same sequence; the c. name uses the placement nearest the transcript's 3' end. VCF-style (leftmost placement, unchanged base first): chr22-19766760-CCAGCCGCCGCGGCCGCCGCCGCCGCTGCCG-C. GRCh37 (hg19) VCF-style: chr22-19754283-CCAGCCGCCGCGGCCGCCGCCGCCGCTGCCG-C.
Other names: c.1386_1415del, p.Ala467_Ala476del (NM_080647.1); c.1009+763_1009+792del (NM_005992.1, NM_080646.2); c.1386_1415del30 (NM_080647.1); c.1386_1415delCGCCGCGGCCGCCGCCGCCGCTGCCGCAGC (NM_080647.1).
Identifiers: ClinVar variation 1169151 (VCV001169151.14), dbSNP rs752498057, ClinGen allele CA10102744.